The following is an entry in ClinVar:

ClinVar aggregate classification (germline): Conflicting classifications of pathogenicity. Review status: criteria provided, conflicting classifications (1 of 4 stars). 2 submissions from 2 submitters: Uncertain significance (1); Likely benign (1). Last evaluated 2026-06-25.

gnomAD v4.1: 5 of 1,614,228 alleles (0.00031%); highest among the groups gnomAD compares: South Asian, 0.0022%; no homozygotes.

Submissions (2):

Ambry Genetics
Classification: Likely benign. Last evaluated: 2026-06-25. Review status: criteria provided, single submitter. Criteria: Ambry Variant Classification Scheme 2023. Collection method: clinical testing. Allele origin: germline.

Labcorp Genetics (formerly Invitae), Labcorp
Classification: Uncertain significance. Last evaluated: 2025-10-26. Review status: criteria provided, single submitter. Criteria: Invitae Variant Classification Sherloc (09022015). Collection method: clinical testing. Allele origin: germline.
Comment: This sequence change replaces asparagine, which is neutral and polar, with serine, which is neutral and polar, at codon 1263 of the A2ML1 protein (p.Asn1263Ser). This variant is present in population databases (no rsID available, gnomAD 0.003%). This variant has not been reported in the literature in individuals affected with A2ML1-related conditions. An algorithm developed to predict the effect of missense changes on protein structure and function outputs the following: PolyPhen-2: "Benign". The serine amino acid residue is found in multiple mammalian species, which suggests that this missense change does not adversely affect protein function. In summary, the available evidence is currently insufficient to determine the role of this variant in disease. Therefore, it has been classified as a Variant of Uncertain Significance.

NM_144670.6(A2ML1):c.3788A>G (p.Asn1263Ser)

Gene: A2ML1 (alpha-2-macroglobulin like 1; plus strand). Cytogenetic location: 12p13.31.
Variant type: single nucleotide variant.
Coding change: c.3788A>G on transcript NM_144670.6 (MANE Select); coding-DNA position 3788, A replaced by G.
Protein change: p.Asn1263Ser; replaces asparagine 1263 with serine.
Molecular consequence: missense variant.
Genome position (GRCh38, 1-based): chr12:8,867,912, A>G. VCF-style: chr12-8867912-A-G. GRCh37 (hg19) VCF-style: chr12-9020508-A-G.
Other names: c.2315A>G, p.Asn772Ser (NM_001282424.3); c.3788A>G (NM_144670.3); short protein forms N1263S, N772S.
Identifiers: ClinVar variation 4811470 (VCV004811470.2).